The following is an entry in ClinVar:

ClinVar aggregate classification (germline): Likely pathogenic (1 of 4 stars; one submission).

Conditions:
Charcot-Marie-Tooth disease type 2. Also called: Charcot-Marie-Tooth type 2. Identifiers: Orphanet 64746, MedGen C0270914, MONDO:0018993.

Submission:

Labcorp Genetics (formerly Invitae), Labcorp
Classification: Likely pathogenic for Charcot-Marie-Tooth disease type 2. Last evaluated: 2021-05-18. Review status: criteria provided, single submitter. Criteria: Invitae Variant Classification Sherloc (09022015). Collection method: clinical testing. Allele origin: germline.
Comment: In summary, the currently available evidence indicates that the variant is pathogenic, but additional data are needed to prove that conclusively. Therefore, this variant has been classified as Likely Pathogenic. This variant disrupts the p.Glu230 amino acid residue in MFN2. Other variant(s) that disrupt this residue have been determined to be pathogenic (Invitae). This suggests that this residue is clinically significant, and that variants that disrupt this residue are likely to be disease-causing. Advanced modeling of protein sequence and biophysical properties (such as structural, functional, and spatial information, amino acid conservation, physicochemical variation, residue mobility, and thermodynamic stability) performed at Invitae indicates that this missense variant is expected to disrupt MFN2 protein function. This variant has not been reported in the literature in individuals with MFN2-related conditions. This variant is not present in population databases (ExAC no frequency). This sequence change replaces glutamic acid with lysine at codon 230 of the MFN2 protein (p.Glu230Lys). The glutamic acid residue is highly conserved and there is a small physicochemical difference between glutamic acid and lysine.

NM_014874.4(MFN2):c.688G>A (p.Glu230Lys)

Gene: MFN2 (mitofusin 2; plus strand). Cytogenetic location: 1p36.22.
Variant type: single nucleotide variant.
Coding change: c.688G>A on transcript NM_014874.4 (MANE Select); coding-DNA position 688, G replaced by A.
Protein change: p.Glu230Lys; replaces glutamic acid 230 with lysine.
Molecular consequence: missense variant.
Genome position (GRCh38, 1-based): chr1:11,998,858, G>A. VCF-style: chr1-11998858-G-A. GRCh37 (hg19) VCF-style: chr1-12058915-G-A.
Other names: c.688G>A, p.Glu230Lys (NM_001127660.2); short protein forms E230K.
Identifiers: ClinVar variation 1480069 (VCV001480069.8), dbSNP rs2100831900, ClinGen allele CA338438469.
Genomic context (GRCh38, chr1:11,998,858, plus strand): 5'-GACAGCTGGATTGACAAGTTTTGTCTGGATGCTGATGTGTTTGTGCTGGTGGCCAACTCA[G>A]AGTCCACCCTGATGCAGACGGTAACTCCTCCTCTGCCTTCTCCCAAGCTCCCAGCACCCC-3'
Protein context (NP_055689.1, residues 220-240): ADVFVLVANS[Glu230Lys]STLMQTEKHF